The following is an entry in ClinVar:

NM_001080476.3(GRXCR1):c.358T>C (p.Phe120Leu)

Gene: GRXCR1 (glutaredoxin and cysteine rich domain containing 1; plus strand). Cytogenetic location: 4p13.
Variant type: single nucleotide variant.
Coding change: c.358T>C on transcript NM_001080476.3 (MANE Select); coding-DNA position 358, T replaced by C.
Protein change: p.Phe120Leu; replaces phenylalanine 120 with leucine.
Molecular consequence: missense variant.
Genome position (GRCh38, 1-based): chr4:42,893,624, T>C. VCF-style: chr4-42893624-T-C. GRCh37 (hg19) VCF-style: chr4-42895641-T-C.
Other names: short protein forms F120L.
Identifiers: ClinVar variation 348819 (VCV000348819.10), dbSNP rs529420082, ClinGen allele CA2904369.

ClinVar aggregate classification (germline): Uncertain significance. Review status: criteria provided, multiple submitters, no conflicts (2 of 4 stars). 4 submissions from 4 submitters: Uncertain significance (4). Last evaluated 2026-03-26.

Conditions:
Autosomal recessive nonsyndromic hearing loss 25. Identifiers: Orphanet 90636, MedGen C1414017, MONDO:0013210, OMIM 613285.
GRXCR1-related disorder. Also called: GRXCR1-related condition.
Inborn genetic diseases. Identifiers: MedGen C0950123, MeSH D030342.

Allele frequency attached by ClinVar (database versions not stated): gnomAD 0.00001; ExAC 0.00002; gnomAD exomes 0.00002 and 0.00004; TOPMed 0.00002.
gnomAD v4.1: 64 of 1,613,348 alleles (0.004%); highest among the groups gnomAD compares: Non-Finnish European, 0.0052%; no homozygotes.

Submissions (4):

PreventionGenetics, part of Exact Sciences
Classification: Uncertain significance for GRXCR1-related condition. Last evaluated: 2026-03-26. Review status: criteria provided, single submitter. Criteria: ACMG Guidelines, 2015. Collection method: clinical testing. Allele origin: germline.
Comment: The GRXCR1 c.358T>C variant is predicted to result in the amino acid substitution p.Phe120Leu. To our knowledge, this variant has not been reported in the literature. This variant is reported in 0.0065% of alleles in individuals of African descent in gnomAD. At this time, the clinical significance of this variant is uncertain due to the absence of conclusive functional and genetic evidence.

Ambry Genetics
Classification: Uncertain significance for Inborn genetic diseases. Last evaluated: 2025-06-24. Review status: criteria provided, single submitter. Criteria: Ambry Variant Classification Scheme 2023. Collection method: clinical testing. Allele origin: germline.

Illumina Laboratory Services, Illumina
Classification: Uncertain significance for Autosomal recessive nonsyndromic hearing loss 25. Last evaluated: 2018-01-13. Review status: criteria provided, single submitter. Criteria: ICSL Variant Classification Criteria 13 December 2019. Collection method: clinical testing. Allele origin: germline.

Laboratory for Molecular Medicine, Mass General Brigham Personalized Medicine
Classification: Uncertain significance. Last evaluated: 2016-04-29. Review status: criteria provided, single submitter. Criteria: LMM Criteria. Collection method: clinical testing. Allele origin: germline. Observed: 1 variant allele.
Comment: This p.Phe120Leu variant in GRXCR1 has not been previously reported in individua ls with hearing loss, but was identified in 1/66030 European chromosomes and in 1/9592 African chromosomes by the Exome Aggregation Consortium (ExAC; dbSNP rs529420082). Although this variant has been seen i n the general population, its frequency is not high enough to rule out a pathoge nic role. Computational prediction tools and conservation analysis do not provi de strong support for or against an impact to the protein. In summary, the clini cal significance of the p.Phe120Leu variant is uncertain.